The following is an entry in ClinVar:

ClinVar aggregate classification (germline): Uncertain significance (1 of 4 stars; one submission).

Allele frequency attached by ClinVar (database versions not stated): 1000 Genomes Project 30x 0.00016; TOPMed 0.00016; gnomAD 0.00018; ExAC 0.00019; 1000 Genomes Project 0.00020; ESP Exome Variant Server 0.00023.
gnomAD v4.1: 349 of 1,614,072 alleles (0.022%); highest among the groups gnomAD compares: Middle Eastern, 0.066%; no homozygotes.

Submission:

Labcorp Genetics (formerly Invitae), Labcorp
Classification: Uncertain significance. Last evaluated: 2022-06-14. Review status: criteria provided, single submitter. Criteria: Invitae Variant Classification Sherloc (09022015). Collection method: clinical testing. Allele origin: germline.
Comment: This sequence change replaces arginine, which is basic and polar, with cysteine, which is neutral and slightly polar, at codon 303 of the MAPKBP1 protein (p.Arg303Cys). This variant is present in population databases (rs140231246, gnomAD 0.03%). This variant has not been reported in the literature in individuals affected with MAPKBP1-related conditions. Algorithms developed to predict the effect of missense changes on protein structure and function (SIFT, PolyPhen-2, Align-GVGD) all suggest that this variant is likely to be disruptive. In summary, the available evidence is currently insufficient to determine the role of this variant in disease. Therefore, it has been classified as a Variant of Uncertain Significance.

NM_014994.3(MAPKBP1):c.889C>T (p.Arg297Cys)

Gene: MAPKBP1 (mitogen-activated protein kinase binding protein 1; plus strand). Cytogenetic location: 15q15.1.
Variant type: single nucleotide variant.
Coding change: c.889C>T on transcript NM_014994.3 (MANE Select); coding-DNA position 889, C replaced by T.
Protein change: p.Arg297Cys; replaces arginine 297 with cysteine.
Molecular consequence: missense variant. On other transcripts: non-coding transcript variant (2).
Genome position (GRCh38, 1-based): chr15:41,813,690, C>T. VCF-style: chr15-41813690-C-T. GRCh37 (hg19) VCF-style: chr15-42105888-C-T.
Other names: c.907C>T, p.Arg303Cys (NM_001128608.2); c.889C>T, p.Arg297Cys (NM_001265611.2); short protein forms R303C, R297C.
Identifiers: ClinVar variation 2181654 (VCV002181654.1), dbSNP rs140231246, ClinGen allele CA7497696.